The following is an entry in ClinVar:

NM_005216.5(DDOST):c.948T>C (p.Tyr316=)

Gene: DDOST (dolichyl-diphosphooligosaccharide--protein glycosyltransferase non-catalytic subunit; minus strand). Cytogenetic location: 1p36.12.
Variant type: single nucleotide variant.
Coding change: c.948T>C on transcript NM_005216.5 (MANE Select); coding-DNA position 948, T replaced by C.
Protein change: p.Tyr316=; no amino-acid change (tyrosine 316 retained).
Molecular consequence: synonymous variant.
Genome position (GRCh38, 1-based): chr1:20,652,966, A>G on the plus strand (T>C on the coding strand, the complement: DDOST is on the minus strand). VCF-style: chr1-20652966-A-G. GRCh37 (hg19) VCF-style: chr1-20979459-A-G.
Identifiers: ClinVar variation 515222 (VCV000515222.1), dbSNP rs200247842, ClinGen allele CA661062.

ClinVar aggregate classification (germline): Likely benign (1 of 4 stars; one submission).

Allele frequency attached by ClinVar (database versions not stated): gnomAD exomes below 0.00001 and 0.00002; gnomAD 0.00001 and 0.00002; TOPMed 0.00001; ExAC 0.00002; 1000 Genomes Project 0.00020; 1000 Genomes Project 30x 0.00031.

Submission:

GeneDx
Classification: Likely benign. Last evaluated: 2018-02-15. Review status: criteria provided, single submitter. Criteria: GeneDx Variant Classification (06012015). Collection method: clinical testing. Allele origin: germline. Affected: yes.
Comment: This variant is considered likely benign or benign based on one or more of the following criteria: it is a conservative change, it occurs at a poorly conserved position in the protein, it is predicted to be benign by multiple in silico algorithms, and/or has population frequency not consistent with disease.